The following is an entry in ClinVar:

NM_006231.4(POLE):c.6184A>T (p.Ser2062Cys)

Gene: POLE (DNA polymerase epsilon, catalytic subunit; minus strand). Cytogenetic location: 12q24.33.
Variant type: single nucleotide variant.
Coding change: c.6184A>T on transcript NM_006231.4 (MANE Select); coding-DNA position 6184, A replaced by T.
Protein change: p.Ser2062Cys; replaces serine 2062 with cysteine.
Molecular consequence: missense variant.
Genome position (GRCh38, 1-based): chr12:132,632,461, T>A on the plus strand (A>T on the coding strand, the complement: POLE is on the minus strand). VCF-style: chr12-132632461-T-A. GRCh37 (hg19) VCF-style: chr12-133209047-T-A.
Other names: short protein forms S2062C.
Identifiers: ClinVar variation 4671750 (VCV004671750.1).

ClinVar aggregate classification (germline): Uncertain significance (1 of 4 stars; one submission).

Conditions:
Hereditary cancer-predisposing syndrome. Also called: Neoplastic Syndromes, Hereditary; Tumor predisposition; Hereditary Cancer Syndrome; Hereditary neoplastic syndrome. Identifiers: Orphanet 140162, MedGen C0027672, MeSH D009386, MONDO:0015356.

Submission:

Ambry Genetics
Classification: Uncertain significance for Hereditary cancer-predisposing syndrome. Last evaluated: 2025-10-05. Review status: criteria provided, single submitter. Criteria: Ambry Variant Classification Scheme 2023. Collection method: clinical testing. Allele origin: germline.
Comment: The p.S2062C variant (also known as c.6184A>T), located in coding exon 45 of the POLE gene, results from an A to T substitution at nucleotide position 6184. The serine at codon 2062 is replaced by cysteine, an amino acid with dissimilar properties. This amino acid position is conserved. In addition, this alteration is predicted to be tolerated by in silico analysis. Based on the available evidence, the clinical significance of this variant remains unclear.